The following is an entry in ClinVar:

NM_000090.4(COL3A1):c.2023G>A (p.Gly675Ser)

Gene: COL3A1 (collagen type III alpha 1 chain; plus strand). Cytogenetic location: 2q32.2.
Variant type: single nucleotide variant.
Coding change: c.2023G>A on transcript NM_000090.4 (MANE Select); coding-DNA position 2023, G replaced by A.
Protein change: p.Gly675Ser; replaces glycine 675 with serine.
Molecular consequence: missense variant.
Genome position (GRCh38, 1-based): chr2:188,999,285, G>A. VCF-style: chr2-188999285-G-A. GRCh37 (hg19) VCF-style: chr2-189864011-G-A.
Other names: short protein forms G675S.
Identifiers: ClinVar variation 1347589 (VCV001347589.8), dbSNP rs2153502988, ClinGen allele CA349839728.

ClinVar aggregate classification (germline): Likely pathogenic (1 of 4 stars; one submission).

Conditions:
Ehlers-Danlos syndrome, type 4 (EDSVASC). Also called: Ehlers-Danlos syndrome vascular type; Ehlers Danlos syndrome, ecchymotic type; Ehlers Danlos syndrome, arterial type; Ehlers Danlos syndrome, Sack-Barabas type; Ehlers-Danlos Syndrome Type IV. Identifiers: Orphanet 286, MedGen C0268338, MONDO:0017314, OMIM 130050.

Submission:

Labcorp Genetics (formerly Invitae), Labcorp
Classification: Likely pathogenic for Ehlers-Danlos syndrome, type 4. Last evaluated: 2024-02-24. Review status: criteria provided, single submitter. Criteria: Invitae Variant Classification Sherloc (09022015). Collection method: clinical testing. Allele origin: germline.
Comment: This sequence change replaces glycine, which is neutral and non-polar, with serine, which is neutral and polar, at codon 675 of the COL3A1 protein (p.Gly675Ser). This variant is not present in population databases (gnomAD no frequency). This variant has not been reported in the literature in individuals affected with COL3A1-related conditions. ClinVar contains an entry for this variant (Variation ID: 1347589). Experimental studies and prediction algorithms are not available or were not evaluated, and the functional significance of this variant is currently unknown. This variant disrupts the triple helix domain of COL3A1. Glycine residues within the Gly-Xaa-Yaa repeats of the triple helix domain are required for the structure and stability of fibrillar collagens (PMID: 7695699, 8218237, 19344236). In COL3A1, variants that affect these glycine residues are significantly enriched in individuals with disease (PMID: 24922459, 25758994) compared to the general population (ExAC). In summary, the currently available evidence indicates that the variant is pathogenic, but additional data are needed to prove that conclusively. Therefore, this variant has been classified as Likely Pathogenic.

Literature cited by the submitters: PubMed 7695699; PubMed 8218237; PubMed 19344236; PubMed 24922459; PubMed 25758994.